The following is an entry in ClinVar:

ClinVar aggregate classification (germline): Conflicting classifications of pathogenicity. Review status: criteria provided, conflicting classifications (1 of 4 stars). 4 submissions from 4 submitters: Uncertain significance (2); Likely benign (1). 1 of the submissions does not count toward it. Last evaluated 2024-06-06.

Conditions:
Nemaline myopathy 2 (NEM2). Also called: Nemaline myopathy 2, autosomal recessive. Identifiers: MedGen C1850569, MONDO:0009725, OMIM 256030.

Allele frequency attached by ClinVar (database versions not stated): gnomAD exomes below 0.00001.
gnomAD v4.1: 1 of 1,613,946 alleles (0.000062%); highest among the groups gnomAD compares: South Asian, 0.0011%; no homozygotes.

Submissions (4):

Revvity Omics, Revvity
Classification: Uncertain significance. Last evaluated: 2024-06-06. Review status: criteria provided, single submitter. Criteria: ACMG Guidelines, 2015. Collection method: clinical testing. Allele origin: germline.

Labcorp Genetics (formerly Invitae), Labcorp
Classification: Uncertain significance for Nemaline myopathy 2. Last evaluated: 2021-09-01. Review status: criteria provided, single submitter. Criteria: Invitae Variant Classification Sherloc (09022015). Collection method: clinical testing. Allele origin: germline.
Comment: This sequence change replaces aspartic acid with glutamic acid at codon 2866 of the NEB protein (p.Asp2866Glu). The aspartic acid residue is moderately conserved and there is a small physicochemical difference between aspartic acid and glutamic acid. This variant is not present in population databases (ExAC no frequency). This variant has not been reported in the literature in individuals affected with NEB-related conditions. Algorithms developed to predict the effect of missense changes on protein structure and function are either unavailable or do not agree on the potential impact of this missense change (SIFT: "Deleterious"; PolyPhen-2: "Not Available"; Align-GVGD: "Class C0"). In summary, the available evidence is currently insufficient to determine the role of this variant in disease. Therefore, it has been classified as a Variant of Uncertain Significance.

GeneDx
Classification: Likely benign. Last evaluated: 2018-01-15. Review status: criteria provided, single submitter. Criteria: GeneDx Variant Classification (06012015). Collection method: clinical testing. Allele origin: germline. Affected: yes.
Comment: This variant is considered likely benign or benign based on one or more of the following criteria: it is a conservative change, it occurs at a poorly conserved position in the protein, it is predicted to be benign by multiple in silico algorithms, and/or has population frequency not consistent with disease.

Natera, Inc.
Classification: Uncertain significance for Nemaline myopathy type 2. Last evaluated: 2020-08-28. Review status: no assertion criteria provided. Collection method: clinical testing. Allele origin: germline. Not counted in ClinVar's aggregate classification.

NM_001164508.2(NEB):c.8598C>G (p.Asp2866Glu)

Gene: NEB (nebulin; minus strand). Cytogenetic location: 2q23.3.
Variant type: single nucleotide variant.
Coding change: c.8598C>G on transcript NM_001164508.2 (MANE Select); coding-DNA position 8598, C replaced by G.
Protein change: p.Asp2866Glu; replaces aspartic acid 2866 with glutamic acid.
Molecular consequence: missense variant.
Genome position (GRCh38, 1-based): chr2:151,640,442, G>C on the plus strand (C>G on the coding strand, the complement: NEB is on the minus strand). VCF-style: chr2-151640442-G-C. GRCh37 (hg19) VCF-style: chr2-152496956-G-C.
Other names: c.8598C>G, p.Asp2866Glu (NM_001164507.2, NM_001271208.2, NM_004543.5); short protein forms D2866E.
Identifiers: ClinVar variation 514652 (VCV000514652.6), dbSNP rs1553966356, ClinGen allele CA348809955.
Genomic context (GRCh38, chr2:151,640,442, plus strand): 5'-AGCATGGATGACGTCGCTCTGGTCGGGCAGGCATGTCCACTGGTGCAGGTAGTTCTTGTA[G>C]TCCACATCGCTGACTAAGGTCTGGCACTTCTTGGCCAGCACCACCCCCAGCATGTCCACT-3'
Protein context (NP_001157980.2, residues 2856-2876): KKCQTLVSDV[Asp2866Glu]YKNYLHQWTC